The following is an entry in ClinVar:

ClinVar aggregate classification (germline): Pathogenic/Likely pathogenic. Review status: criteria provided, multiple submitters, no conflicts (2 of 4 stars). 3 submissions from 3 submitters: Pathogenic (1); Likely pathogenic (2). Last evaluated 2024-09-04.

Conditions:
Hereditary cancer-predisposing syndrome. Also called: Hereditary neoplastic syndrome; Tumor predisposition; Neoplastic Syndromes, Hereditary; Hereditary Cancer Syndrome. Identifiers: Orphanet 140162, MedGen C0027672, MeSH D009386, MONDO:0015356.
Multiple endocrine neoplasia, type 1 (MEN1). Also called: MEN I; Endocrine adenomatosis multiple; MEN 1; WERMER SYNDROME; MEA I. Identifiers: Orphanet 652, MedGen C0025267, MeSH D018761, MONDO:0007540, OMIM 131100.

Submissions (3):

Labcorp Genetics (formerly Invitae), Labcorp
Classification: Likely pathogenic for Multiple endocrine neoplasia, type 1. Last evaluated: 2024-09-04. Review status: criteria provided, single submitter. Criteria: Invitae Variant Classification Sherloc (09022015). Collection method: clinical testing. Allele origin: germline.
Comment: This sequence change replaces proline, which is neutral and non-polar, with leucine, which is neutral and non-polar, at codon 320 of the MEN1 protein (p.Pro320Leu). This variant is not present in population databases (gnomAD no frequency). This missense change has been observed in individual(s) with multiple endocrine neoplasia type 1 and/or prolactinoma (PMID: 9506756, 23052745). This variant is also known as C>T at 1069. ClinVar contains an entry for this variant (Variation ID: 428002). Invitae Evidence Modeling of protein sequence and biophysical properties (such as structural, functional, and spatial information, amino acid conservation, physicochemical variation, residue mobility, and thermodynamic stability) indicates that this missense variant is expected to disrupt MEN1 protein function with a positive predictive value of 95%. Experimental studies have shown that this missense change affects MEN1 function (PMID: 11302744, 12145286, 21819486). In summary, the currently available evidence indicates that the variant is pathogenic, but additional data are needed to prove that conclusively. Therefore, this variant has been classified as Likely Pathogenic.

Athena Diagnostics
Classification: Likely pathogenic. Last evaluated: 2022-09-13. Review status: criteria provided, single submitter. Criteria: Athena Diagnostics Criteria. Collection method: clinical testing. Allele origin: unknown.
Comment: This variant has not been reported in large, multi-ethnic general populations. This variant has been identified in at least one individual with clinical features associated with this gene. In some published literature, this variant is referred to as c.974C>T p.(Pro325Leu). Assessment of experimental evidence suggests this variant results in abnormal protein function. Experiments show this variant results in reduced protein expression (PMID: 15254225, 21819486).

Ambry Genetics
Classification: Pathogenic for Hereditary cancer-predisposing syndrome. Last evaluated: 2016-08-26. Review status: criteria provided, single submitter. Criteria: Ambry Variant Classification Scheme 2023. Collection method: clinical testing. Allele origin: germline.
Comment: The p.P320L pathogenic mutation (also known as c.959C>T), located in coding exon 6 of the MEN1 gene, results from a C to T substitution at nucleotide position 959. The proline at codon 320 is replaced by leucine, an amino acid with very few similar properties. This pathogenic mutation has been reported in multiple individuals with personal and/or family histories of MEN1 (Tanaka C et al. J. Clin. Endocrinol. Metab., 1998 Mar;83:960-5; Bergman L et al. Br J Cancer. 2000 Oct;83(8):1003-8; Horiuchi K et al. Surg. Today, 2013 Aug;43:894-9). Functional studies suggest that the p.P320L mutation affects nm23/NDP kinase binding (Ohkura N et al. Biochem Biophys Res Commun. 2001 Apr 20;282(5):1206-10; Wautot V et al. Hum. Mutat. 2002 Jul;20:35-47) and causes low menin expression levels as a result of degradation via the ubiquitin- proteasome pathway (Yaguchi H et al. Mol Cell Biol. 2004 Aug;24(15):6569-80). This alteration has also exhibited reduced stability and expression when compared to wild type (Shimazu S et al. Cancer Sci., 2011 Nov;102:2097-102). Based on the supporting evidence, p.P320L is interpreted as a disease-causing mutation.

Literature cited by the submitters: PubMed 9506756 (cited by 3 submitters); PubMed 23052745 (cited by 3 submitters); PubMed 11302744 (cited by Labcorp Genetics (formerly Invitae), Labcorp and Athena Diagnostics); PubMed 12145286 (cited by Labcorp Genetics (formerly Invitae), Labcorp and Athena Diagnostics); PubMed 21819486 (cited by 3 submitters); PubMed 32241160 (cited by Athena Diagnostics); PubMed 35323929 (cited by Athena Diagnostics); PubMed 10993646 (cited by Athena Diagnostics and Ambry Genetics); PubMed 15254225 (cited by Athena Diagnostics); PubMed 35268848 (cited by Athena Diagnostics); PubMed 32937789 (cited by Athena Diagnostics); PubMed 30869828 (cited by Athena Diagnostics); PubMed 12112656 (cited by Ambry Genetics).

NM_001370259.2(MEN1):c.959C>T (p.Pro320Leu)

Gene: MEN1 (menin 1; minus strand). Cytogenetic location: 11q13.1.
Variant type: single nucleotide variant.
Coding change: c.959C>T on transcript NM_001370259.2 (MANE Select); coding-DNA position 959, C replaced by T.
Protein change: p.Pro320Leu; replaces proline 320 with leucine.
Molecular consequence: missense variant.
Genome position (GRCh38, 1-based): chr11:64,806,322, G>A on the plus strand (C>T on the coding strand, the complement: MEN1 is on the minus strand). VCF-style: chr11-64806322-G-A. GRCh37 (hg19) VCF-style: chr11-64573794-G-A.
Other names: c.854C>T, p.Pro285Leu (NM_001370263.2, NM_001370262.2); c.959C>T, p.Pro320Leu (NM_130799.3, NM_001370251.2, NM_001370260.2 and 1 more transcripts); c.974C>T, p.Pro325Leu (NM_130800.3, NM_130801.3, NM_130802.3 and 3 more transcripts); short protein forms P320L, P325L, P285L.
Identifiers: ClinVar variation 428002 (VCV000428002.10), dbSNP rs1114167469, ClinGen allele CA381183361.
Genomic context (GRCh38, chr11:64,806,322, plus strand): 5'-GCCTGCAGGGCTTCCCGCACATTGCGGTTGCGACAGTGGTAGCCAGCCAGGTACATGTAG[G>A]GGTAGATGTGTTCATCCCGATAGTAGGTCTTGGCTGAGGCAATGCCCTGGATGGAGGTGA-3'
Protein context (NP_001357188.2, residues 310-330): KTYYRDEHIY[Pro320Leu]YMYLAGYHCR